The following is an entry in ClinVar:

ClinVar aggregate classification (germline): Conflicting classifications of pathogenicity. Review status: criteria provided, conflicting classifications (1 of 4 stars). 7 submissions from 7 submitters: Likely pathogenic (1); Uncertain significance (4). 2 of the submissions do not count toward it. Last evaluated 2024-09-01.

Conditions:
CDH23-related disorder. Also called: CDH23-related condition; CDH23-related disorders.
Retinal dystrophy. Also called: Inherited retinal dystrophy. Identifiers: Orphanet 71862, MedGen C0854723, MeSH D058499, MONDO:0019118, HP:0000556.
Usher syndrome type 1 (USH1). Also called: RETINITIS PIGMENTOSA AND CONGENITAL DEAFNESS. Identifiers: Orphanet 231169, Orphanet 886, MedGen C1568247, MONDO:0010168, OMIM 276900.

Allele frequency attached by ClinVar (database versions not stated): ExAC 0.00001; gnomAD 0.00001; TOPMed 0.00002; ESP Exome Variant Server 0.00008.
gnomAD v4.1: 13 of 1,613,714 alleles (0.00081%); highest among the groups gnomAD compares: East Asian, 0.0067%; no homozygotes.

Submissions (7):

CeGaT Center for Human Genetics Tuebingen
Classification: Uncertain significance. Last evaluated: 2024-09-01. Review status: criteria provided, single submitter. Criteria: CeGaT Center For Human Genetics Tuebingen Variant Classification Criteria Version 2. Collection method: clinical testing. Allele origin: germline. Affected: yes. Observed: 1 variant allele.
Comment: CDH23: PM2:Supporting

Women's Health and Genetics/Laboratory Corporation of America, LabCorp
Classification: Uncertain significance. Last evaluated: 2022-12-02. Review status: criteria provided, single submitter. Criteria: LabCorp Variant Classification Summary - May 2015. Collection method: clinical testing. Allele origin: germline.
Comment: Variant summary: CDH23 c.9094G>A (p.Asp3032Asn) results in a conservative amino acid change in the encoded protein sequence. Three of five in-silico tools predict a damaging effect of the variant on protein function. The variant allele was found at a frequency of 8e-06 in 249054 control chromosomes (gnomAD). c.9094G>A has been reported in the literature as a biallelic genotype in individuals affected with non-syndromic hearing loss (e.g. Sloan-Heggen_2016, Usami_2022). These data indicate that the variant may be associated with disease. To our knowledge, no experimental evidence demonstrating an impact on protein function has been reported. Three clinical diagnostic laboratories have submitted clinical-significance assessments for this variant to ClinVar after 2014 without evidence for independent evaluation. All laboratories classified the variant as uncertain significance. Based on the evidence outlined above, the variant was classified as VUS-possibly pathogenic.

Labcorp Genetics (formerly Invitae), Labcorp
Classification: Uncertain significance. Last evaluated: 2021-12-21. Review status: criteria provided, single submitter. Criteria: Invitae Variant Classification Sherloc (09022015). Collection method: clinical testing. Allele origin: germline.
Comment: This sequence change replaces aspartic acid, which is acidic and polar, with asparagine, which is neutral and polar, at codon 3032 of the CDH23 protein (p.Asp3032Asn). This variant is present in population databases (rs368603948, gnomAD 0.002%). This missense change has been observed in individual(s) with hearing loss (PMID: 26969326). ClinVar contains an entry for this variant (Variation ID: 178313). Algorithms developed to predict the effect of missense changes on protein structure and function are either unavailable or do not agree on the potential impact of this missense change (SIFT: "Deleterious"; PolyPhen-2: "Not Available"; Align-GVGD: "Class C0"). In summary, the available evidence is currently insufficient to determine the role of this variant in disease. Therefore, it has been classified as a Variant of Uncertain Significance.

Blueprint Genetics
Classification: Likely pathogenic for CDH23-related disorders. Last evaluated: 2018-11-06. Review status: criteria provided, single submitter. Criteria: ACMG Guidelines, 2015. Collection method: clinical testing. Allele origin: germline. Affected: yes. Observed: 3 variant alleles.

Laboratory for Molecular Medicine, Mass General Brigham Personalized Medicine
Classification: Uncertain significance. Last evaluated: 2014-07-24. Review status: criteria provided, single submitter. Criteria: LMM Criteria. Collection method: clinical testing. Allele origin: germline. Observed: 2 variant alleles.
Comment: Variant classified as Uncertain Significance - Favor Pathogenic. The Asp3032Asn variant in CDH23 has not been previously reported in individuals with hearing lo ss, but has been identified in 1/8432 of European American chromosomes by the NH LBI Exome Sequencing Project. Although this varia nt has been seen in the general population, its frequency is not high enough to rule out a pathogenic role. Computational prediction tools and conservation anal yses suggest that the Asp3032Asn variant may impact the protein, though this inf ormation is not predictive enough to determine pathogenicity. In summary, while there is some suspicion for a pathogenic role, the clinical significance of this variant is uncertain.

Natera, Inc.
Classification: Uncertain significance for Usher syndrome type 1. Last evaluated: 2020-11-24. Review status: no assertion criteria provided. Collection method: clinical testing. Allele origin: germline. Not counted in ClinVar's aggregate classification.

Institute of Human Genetics, Univ. Regensburg, Univ. Regensburg
Classification: Likely pathogenic for Retinal dystrophy. Last evaluated: 2018-01-01. Review status: no assertion criteria provided. Criteria: ACMG Guidelines, 2015. Collection method: clinical testing. Allele origin: germline. Affected: yes. Not counted in ClinVar's aggregate classification.

Literature cited by the submitters: PubMed 26969326 (cited by Women's Health and Genetics/Laboratory Corporation of America, LabCorp and Labcorp Genetics (formerly Invitae), Labcorp); PubMed 35020051 (cited by Women's Health and Genetics/Laboratory Corporation of America, LabCorp).

NM_022124.6(CDH23):c.9094G>A (p.Asp3032Asn)

Gene: CDH23 (cadherin related 23; plus strand). Cytogenetic location: 10q22.1.
Variant type: single nucleotide variant.
Coding change: c.9094G>A on transcript NM_022124.6 (MANE Select); coding-DNA position 9094, G replaced by A.
Protein change: p.Asp3032Asn; replaces aspartic acid 3032 with asparagine.
Molecular consequence: missense variant.
Genome position (GRCh38, 1-based): chr10:71,811,331, G>A. VCF-style: chr10-71811331-G-A. GRCh37 (hg19) VCF-style: chr10-73571088-G-A.
Other names: c.2374G>A, p.Asp792Asn (NM_001171933.1, NM_001171934.1); short protein forms D3032N, D792N.
Identifiers: ClinVar variation 178313 (VCV000178313.27), dbSNP rs368603948, ClinGen allele CA182088.